The following is an entry in ClinVar:

ClinVar aggregate classification (germline): Uncertain significance (1 of 4 stars; one submission).

Submission:

GeneDx
Classification: Uncertain significance. Last evaluated: 2024-05-31. Review status: criteria provided, single submitter. Criteria: GeneDx Variant Classification Process June 2021. Collection method: clinical testing. Allele origin: germline. Affected: yes.
Comment: Not observed at significant frequency in large population cohorts (gnomAD); Frameshift variant predicted to result in protein truncation or nonsense mediated decay in a gene for which loss-of-function is not an established mechanism of disease; Has not been previously published as pathogenic or benign to our knowledge

NM_003587.5(DHX16):c.203dup (p.Asn68fs)

Gene: DHX16 (DEAH-box helicase 16; minus strand). Cytogenetic location: 6p21.33.
Variant type: Duplication.
Coding change: c.203dup on transcript NM_003587.5 (MANE Select); coding-DNA position 203, one base duplicated (A; older notation c.203dupA).
Protein change: p.Asn68fs; shifts the reading frame from asparagine 68.
Molecular consequence: frameshift variant. On other transcripts: 5 prime UTR variant (1), intron variant (1).
Genome position (GRCh38, 1-based): chr6:30,672,639, T duplicated on the plus strand (A on the coding strand, the reverse complement: DHX16 is on the minus strand); the first of 2 consecutive T bases (chr6:30,672,639-30,672,640); duplicating either gives the same sequence. VCF-style (leftmost placement, unchanged base first): chr6-30672638-G-GT. GRCh37 (hg19) VCF-style: chr6-30640415-G-GT.
Other names: c.-1917dup (NM_001363515.2); c.27+317dup (NM_001164239.2); short protein forms N68fs.
Identifiers: ClinVar variation 3384560 (VCV003384560.1).